The following is an entry in ClinVar:

ClinVar aggregate classification (germline): Likely benign. Review status: criteria provided, multiple submitters, no conflicts (2 of 4 stars). 5 submissions from 5 submitters: Likely benign (4). 1 of the submissions does not count toward it. Last evaluated 2026-01-09.

Conditions:
ITGA3-related disorder. Also called: ITGA3-related condition.
Epidermolysis bullosa, junctional 7, with interstitial lung disease and nephrotic syndrome. Also called: Interstitial lung disease, nephrotic syndrome, and epidermolysis bullosa, congenital; Interstitial Lung Disease with Nephrotic Syndrome and Epidermolysis Bullosa. Identifiers: Orphanet 306504, MedGen C4518785, MONDO:0013881, OMIM 614748.

Allele frequency attached by ClinVar (database versions not stated): ESP Exome Variant Server 0.00008; 1000 Genomes Project 0.00020; 1000 Genomes Project 30x 0.00031; ExAC 0.00039; TOPMed 0.00049.
gnomAD v4.1: 752 of 1,614,198 alleles (0.047%); highest among the groups gnomAD compares: Admixed American, 0.33%; 1 homozygote.

Submissions (5):

Labcorp Genetics (formerly Invitae), Labcorp
Classification: Likely benign. Last evaluated: 2026-01-09. Review status: criteria provided, single submitter. Criteria: Invitae Variant Classification Sherloc (09022015). Collection method: clinical testing. Allele origin: germline.

Blueprint Genetics
Classification: Likely benign. Last evaluated: 2024-09-10. Review status: criteria provided, single submitter. Criteria: ACMG Guidelines, 2015. Collection method: clinical testing. Allele origin: germline.

Fulgent Genetics
Classification: Likely benign for Epidermolysis bullosa, junctional 7, with interstitial lung disease and nephrotic syndrome. Last evaluated: 2021-09-28. Review status: criteria provided, single submitter. Criteria: ACMG Guidelines, 2015. Collection method: clinical testing. Allele origin: unknown.

Breakthrough Genomics
Classification: Likely benign. Review status: criteria provided, single submitter. Criteria: ACMG Guidelines, 2015. Collection method: not provided. Allele origin: germline. Inheritance: Autosomal recessive inheritance. Affected: yes.

PreventionGenetics, part of Exact Sciences
Classification: Likely benign for ITGA3-related condition. Last evaluated: 2020-01-16. Review status: no assertion criteria provided. Collection method: clinical testing. Allele origin: germline. Not counted in ClinVar's aggregate classification.
Comment: This variant is classified as likely benign based on ACMG/AMP sequence variant interpretation guidelines (Richards et al. 2015 PMID: 25741868, with internal and published modifications).

NM_002204.4(ITGA3):c.1509C>T (p.Ala503=)

Gene: ITGA3 (integrin subunit alpha 3; plus strand). Cytogenetic location: 17q21.33.
Variant type: single nucleotide variant.
Coding change: c.1509C>T on transcript NM_002204.4 (MANE Select); coding-DNA position 1509, C replaced by T.
Protein change: p.Ala503=; no amino-acid change (alanine 503 retained).
Molecular consequence: synonymous variant.
Genome position (GRCh38, 1-based): chr17:50,075,498, C>T. VCF-style: chr17-50075498-C-T. GRCh37 (hg19) VCF-style: chr17-48152862-C-T.
Identifiers: ClinVar variation 723099 (VCV000723099.15), dbSNP rs192121420, ClinGen allele CA8641572.